The following is an entry in ClinVar:

NM_031885.5(BBS2):c.775G>T (p.Glu259Ter)

Gene: BBS2 (Bardet-Biedl syndrome 2; minus strand). Cytogenetic location: 16q13.
Variant type: single nucleotide variant.
Coding change: c.775G>T on transcript NM_031885.5 (MANE Select); coding-DNA position 775, G replaced by T.
Protein change: p.Glu259Ter; replaces glutamic acid 259 with a stop codon.
Molecular consequence: nonsense. On other transcripts: non-coding transcript variant (5).
Genome position (GRCh38, 1-based): chr16:56,505,979, C>A on the plus strand (G>T on the coding strand, the complement: BBS2 is on the minus strand). VCF-style: chr16-56505979-C-A. GRCh37 (hg19) VCF-style: chr16-56539891-C-A.
Other names: c.775G>T, p.Glu259Ter (NM_001377456.1); short protein forms E259*.
Identifiers: ClinVar variation 2767575 (VCV002767575.3), dbSNP rs2543720655, ClinGen allele CA395982649.
Genomic context (GRCh38, chr16:56,505,979, plus strand): 5'-ATTATACCTGAACTTTGCTATTCAAACTTACCTTCCCATTGGACCAACCAGTTATCAGTT[C>A]ATTCACTCCATCAGAATTAAGGTCAAAAGCATGAATGCTCATGGCATGATTTTTCGACTG-3'

ClinVar aggregate classification (germline): Pathogenic (1 of 4 stars; one submission).

Conditions:
Bardet-Biedl syndrome (BBS). Identifiers: Orphanet 110, MedGen C0752166, MONDO:0015229.

Allele frequency attached by ClinVar (database versions not stated): gnomAD exomes below 0.00001.

Submission:

Labcorp Genetics (formerly Invitae), Labcorp
Classification: Pathogenic for Bardet-Biedl syndrome. Last evaluated: 2023-10-11. Review status: criteria provided, single submitter. Criteria: Invitae Variant Classification Sherloc (09022015). Collection method: clinical testing. Allele origin: germline.
Comment: This sequence change creates a premature translational stop signal (p.Glu259*) in the BBS2 gene. It is expected to result in an absent or disrupted protein product. Loss-of-function variants in BBS2 are known to be pathogenic (PMID: 11285252, 20177705, 24608809, 26518167). This variant is not present in population databases (gnomAD no frequency). This variant has not been reported in the literature in individuals affected with BBS2-related conditions. For these reasons, this variant has been classified as Pathogenic.

Literature cited by the submitters: PubMed 11285252; PubMed 20177705; PubMed 24608809; PubMed 26518167.